The following is an entry in ClinVar:

NM_153240.5(NPHP3):c.307G>A (p.Val103Ile)

Genes: NPHP3 (nephrocystin 3; minus strand), NPHP3-ACAD11 (NPHP3-ACAD11 readthrough (NMD candidate); minus strand), NPHP3-AS1 (NPHP3 antisense RNA 1; plus strand). Cytogenetic location: 3q22.1.
Variant type: single nucleotide variant.
Coding change: c.307G>A on transcript NM_153240.5 (MANE Select); coding-DNA position 307, G replaced by A.
Protein change: p.Val103Ile; replaces valine 103 with isoleucine.
Molecular consequence: missense variant. On other transcripts: non-coding transcript variant (3).
Genome position (GRCh38, 1-based): chr3:132,722,049, C>T on the plus strand (G>A on the coding strand, the complement: NPHP3 is on the minus strand). VCF-style: chr3-132722049-C-T. GRCh37 (hg19) VCF-style: chr3-132440893-C-T.
Other names: c.307G>A (NM_153240.4); short protein forms V103I.
Identifiers: ClinVar variation 1516712 (VCV001516712.8), dbSNP rs567070832, ClinGen allele CA2622665.
Genomic context (GRCh38, chr3:132,722,049, plus strand): 5'-TCTCCGTGTCCAGCTTGGCCTCGCGGCGGCCCATGGACAACAACTCCTGGTTCTTGCTGA[C>T]GCGAAAGATCTCGTACTCCTTCCTGAGCCGCTCGTACTCGGCCGCCGCGTACTCCAGCTC-3'
Protein context (NP_694972.3, residues 93-113): RLRKEYEIFR[Val103Ile]SKNQELLSMG

ClinVar aggregate classification (germline): Uncertain significance. Review status: criteria provided, multiple submitters, no conflicts (2 of 4 stars). 2 submissions from 2 submitters: Uncertain significance (2). Last evaluated 2023-02-27.

Conditions:
Inborn genetic diseases. Identifiers: MedGen C0950123, MeSH D030342.
Nephronophthisis. Also called: Juvenile Nephronophthisis. Identifiers: Orphanet 655, MedGen C0687120, MONDO:0019005, HP:0000090.

Allele frequency attached by ClinVar (database versions not stated): gnomAD exomes below 0.00001; ExAC 0.00001; gnomAD 0.00001; TOPMed 0.00001; 1000 Genomes Project 30x 0.00016; 1000 Genomes Project 0.00020.
gnomAD v4.1: 7 of 1,613,122 alleles (0.00043%); highest among the groups gnomAD compares: African/African-American, 0.008%; no homozygotes.

Submissions (2):

Ambry Genetics
Classification: Uncertain significance for Inborn genetic diseases. Last evaluated: 2023-02-27. Review status: criteria provided, single submitter. Criteria: Ambry Variant Classification Scheme 2023. Collection method: clinical testing. Allele origin: germline.

Labcorp Genetics (formerly Invitae), Labcorp
Classification: Uncertain significance for Nephronophthisis. Last evaluated: 2021-05-11. Review status: criteria provided, single submitter. Criteria: Invitae Variant Classification Sherloc (09022015). Collection method: clinical testing. Allele origin: germline.
Comment: This sequence change replaces valine with isoleucine at codon 103 of the NPHP3 protein (p.Val103Ile). The valine residue is moderately conserved and there is a small physicochemical difference between valine and isoleucine. This variant is present in population databases (rs567070832, ExAC 0.01%). This variant has not been reported in the literature in individuals with NPHP3-related conditions. Algorithms developed to predict the effect of missense changes on protein structure and function are either unavailable or do not agree on the potential impact of this missense change (SIFT: "Deleterious"; PolyPhen-2: "Benign"; Align-GVGD: "Class C0"). In summary, the available evidence is currently insufficient to determine the role of this variant in disease. Therefore, it has been classified as a Variant of Uncertain Significance.